The following is an entry in ClinVar:

NM_003995.4(NPR2):c.2644G>A (p.Val882Ile)

Gene: NPR2 (natriuretic peptide receptor 2; plus strand). Cytogenetic location: 9p13.3.
Variant type: single nucleotide variant.
Coding change: c.2644G>A on transcript NM_003995.4 (MANE Select); coding-DNA position 2644, G replaced by A.
Protein change: p.Val882Ile; replaces valine 882 with isoleucine.
Molecular consequence: missense variant.
Genome position (GRCh38, 1-based): chr9:35,807,330, G>A. VCF-style: chr9-35807330-G-A. GRCh37 (hg19) VCF-style: chr9-35807327-G-A.
Other names: c.2653G>A, p.Val885Ile (NM_001378923.1); short protein forms V882I, V885I.
Identifiers: ClinVar variation 541975 (VCV000541975.9), dbSNP rs55700371, ClinGen allele CA5052037.

ClinVar aggregate classification (germline): Uncertain significance. Review status: criteria provided, multiple submitters, no conflicts (2 of 4 stars). 5 submissions from 5 submitters: Uncertain significance (5). Last evaluated 2026-08-06.

Conditions:
Acromesomelic dysplasia 1, Maroteaux type (AMD1). Also called: ST. HELENA DYSPLASIA; ACROMESOMELIC DYSPLASIA 1. Identifiers: Orphanet 40, MedGen C1864356, MONDO:0011275, OMIM 602875.
Tall stature-scoliosis-macrodactyly of the great toes syndrome. Also called: Epiphyseal chondrodysplasia, miura type. Identifiers: Orphanet 329191, MedGen C4014690, MONDO:0014401, OMIM 615923.
Short stature with nonspecific skeletal abnormalities 1 (SNSK1). Identifiers: MedGen CN379227, MONDO:0014551, OMIM 616255.

Allele frequency attached by ClinVar (database versions not stated): TOPMed 0.00021; ESP Exome Variant Server 0.00008; gnomAD 0.00015 and 0.00014; ExAC 0.00015; gnomAD exomes 0.00013.
gnomAD v4.1: 289 of 1,612,400 alleles (0.018%); highest among the groups gnomAD compares: Admixed American, 0.032%; no homozygotes.

Submissions (5):

OLLIN Analises Genomicas, OLLIN
Classification: Uncertain significance for Short stature with nonspecific skeletal abnormalities 1. Last evaluated: 2026-08-06. Review status: criteria provided, single submitter. Criteria: ACMG Guidelines 2015 PMID 25741868. Collection method: clinical testing. Allele origin: germline. Inheritance: Autosomal recessive inheritance.
Comment: This missense variant, located in exon 18 (of 22), has been reported in ClinVar (accession VCV000541975.8) and in gnomAD with an allele frequency of 0.018%. However, to our knowledge, it has not been reported in the scientific literature. In silico analysis is inconclusive regarding the impact of this variant. This gene is constrained for missense variation. According to the currently available evidence, this variant has been classified as uncertain significance (PM2_P, PP2).

Dasa
Classification: Uncertain significance. Last evaluated: 2025-09-13. Review status: criteria provided, single submitter. Criteria: DASA Assertion Criteria. Collection method: clinical testing. Allele origin: germline.
Comment: NM_003995.4(NPR2):c.2644G>A (p.Val882Ile) is a missense variant that results in the substitution of valine with isoleucine. Multiple computational predictions support a deleterious effect on the gene or gene product. The variant is present at low frequency in population datasets. Based on the available data, this variant is classified as variant of uncertain significance.

GeneDx
Classification: Uncertain significance. Last evaluated: 2023-12-10. Review status: criteria provided, single submitter. Criteria: GeneDx Variant Classification Process June 2021. Collection method: clinical testing. Allele origin: germline. Affected: yes.
Comment: In silico analysis supports that this missense variant does not alter protein structure/function; This variant is associated with the following publications: (PMID: 36373817, 35741827)

Centre for Mendelian Genomics, University Medical Centre Ljubljana
Classification: Uncertain significance for Acromesomelic dysplasia 1, Maroteaux type. Last evaluated: 2019-04-18. Review status: criteria provided, single submitter. Criteria: ACMG Guidelines, 2015. Collection method: clinical testing. Allele origin: unknown. Affected: yes.
Comment: This variant was classified as: Uncertain significance. The available evidence on this variant's pathogenicity is insufficient or conflicting. The following ACMG criteria were applied in classifying this variant: PP3.

Labcorp Genetics (formerly Invitae), Labcorp
Classification: Uncertain significance for Tall stature-scoliosis-macrodactyly of the great toes syndrome; Acromesomelic dysplasia 1, Maroteaux type. Last evaluated: 2017-12-26. Review status: criteria provided, single submitter. Criteria: Invitae Variant Classification Sherloc (09022015). Collection method: clinical testing. Allele origin: germline.
Comment: This sequence change replaces valine with isoleucine at codon 882 of the NPR2 protein (p.Val882Ile). The valine residue is highly conserved and there is a small physicochemical difference between valine and isoleucine. This variant is present in population databases (rs55700371, ExAC 0.03%). This variant has not been reported in the literature in individuals with NPR2-related disease. Algorithms developed to predict the effect of missense changes on protein structure and function (SIFT, PolyPhen-2, Align-GVGD) all suggest that this variant is likely to be disruptive, but these predictions have not been confirmed by published functional studies and their clinical significance is uncertain. In summary, the available evidence is currently insufficient to determine the role of this variant in disease. Therefore, it has been classified as a Variant of Uncertain Significance.